The following is an entry in ClinVar:

NM_001110556.2(FLNA):c.4174G>A (p.Val1392Ile)

Gene: FLNA (filamin A; minus strand). Cytogenetic location: Xq28.
Variant type: single nucleotide variant.
Coding change: c.4174G>A on transcript NM_001110556.2 (MANE Select); coding-DNA position 4174, G replaced by A.
Protein change: p.Val1392Ile; replaces valine 1392 with isoleucine.
Molecular consequence: missense variant.
Genome position (GRCh38, 1-based): chrX:154,359,375, C>T on the plus strand (G>A on the coding strand, the complement: FLNA is on the minus strand). VCF-style: chrX-154359375-C-T. GRCh37 (hg19) VCF-style: chrX-153587743-C-T.
Other names: c.4174G>A, p.Val1392Ile (NM_001456.4); c.4174G>A (NM_001110556.1); short protein forms V1392I.
Identifiers: ClinVar variation 651926 (VCV000651926.11), dbSNP rs1603360869, ClinGen allele CA415218826.

ClinVar aggregate classification (germline): Uncertain significance. Review status: criteria provided, multiple submitters, no conflicts (2 of 4 stars). 2 submissions from 2 submitters: Uncertain significance (2). Last evaluated 2025-11-22.

Conditions:
Frontometaphyseal dysplasia (FMD1). Identifiers: Orphanet 1826, MedGen C0265293, MONDO:0015942.
Oto-palato-digital syndrome, type II (OPD2). Also called: FACIOPALATOOSSEOUS SYNDROME; Otopalatodigital Syndrome, Type II; Otopalatodigital Syndrome Type 2 (FLNA-OPD2); OPD II SYNDROME. Identifiers: Orphanet 669, Orphanet 90652, MedGen C1844696, MONDO:0010571, OMIM 304120.
Heterotopia, periventricular, X-linked dominant (PVNH1). Also called: PERIVENTRICULAR NODULAR HETEROTOPIA 4; HETEROTOPIA, PERIVENTRICULAR, 1; PERIVENTRICULAR NODULAR HETEROTOPIA 1; X-linked periventricular heterotopia. Identifiers: Orphanet 2149, Orphanet 82004, MedGen C1848213, MONDO:0010233, OMIM 300049.
Melnick-Needles syndrome (MNS). Also called: Melnick-Needles Syndrome (FLNA-MNS); MELNICK-NEEDLES OSTEODYSPLASTY; OSTEODYSPLASTY OF MELNICK AND NEEDLES. Identifiers: Orphanet 2484, MedGen C0025237, MONDO:0010650, OMIM 309350.
FLNA-related disorder.

Submissions (2):

Labcorp Genetics (formerly Invitae), Labcorp
Classification: Uncertain significance for Oto-palato-digital syndrome, type II; Heterotopia, periventricular, X-linked dominant; Frontometaphyseal dysplasia; Melnick-Needles syndrome. Last evaluated: 2025-11-22. Review status: criteria provided, single submitter. Criteria: Invitae Variant Classification Sherloc (09022015). Collection method: clinical testing. Allele origin: germline.
Comment: This sequence change replaces valine, which is neutral and non-polar, with isoleucine, which is neutral and non-polar, at codon 1392 of the FLNA protein (p.Val1392Ile). This variant is not present in population databases (gnomAD no frequency). This variant has not been reported in the literature in individuals affected with FLNA-related conditions. ClinVar contains an entry for this variant (Variation ID: 651926). Invitae Evidence Modeling of protein sequence and biophysical properties (such as structural, functional, and spatial information, amino acid conservation, physicochemical variation, residue mobility, and thermodynamic stability) indicates that this missense variant is not expected to disrupt FLNA protein function with a negative predictive value of 95%. In summary, the available evidence is currently insufficient to determine the role of this variant in disease. Therefore, it has been classified as a Variant of Uncertain Significance.

PreventionGenetics, part of Exact Sciences
Classification: Uncertain significance for FLNA-related condition. Last evaluated: 2023-05-05. Review status: criteria provided, single submitter. Criteria: ACMG Guidelines, 2015. Collection method: clinical testing. Allele origin: germline.
Comment: The FLNA c.4174G>A variant is predicted to result in the amino acid substitution p.Val1392Ile. To our knowledge, this variant has not been reported in the literature or in a large population database, indicating this variant is rare. At this time, the clinical significance of this variant is uncertain due to the absence of conclusive functional and genetic evidence.